The following is an entry in ClinVar:

NM_004260.4(RECQL4):c.3055G>C (p.Gly1019Arg)

Gene: RECQL4 (RecQ like helicase 4; minus strand). Cytogenetic location: 8q24.3.
Variant type: single nucleotide variant.
Coding change: c.3055G>C on transcript NM_004260.4 (MANE Select); coding-DNA position 3055, G replaced by C.
Protein change: p.Gly1019Arg; replaces glycine 1019 with arginine.
Molecular consequence: missense variant. On other transcripts: non-coding transcript variant (3).
Genome position (GRCh38, 1-based): chr8:144,512,392, C>G on the plus strand (G>C on the coding strand, the complement: RECQL4 is on the minus strand). VCF-style: chr8-144512392-C-G. GRCh37 (hg19) VCF-style: chr8-145737775-C-G.
Other names: c.2761G>C, p.Gly921Arg (NM_001413017.1); c.2857G>C, p.Gly953Arg (NM_001413018.1); c.3130G>C, p.Gly1044Arg (NM_001413019.1); c.2959G>C, p.Gly987Arg (NM_001413020.1); c.1984G>C, p.Gly662Arg (NM_001413021.1, NM_001413022.1, NM_001413024.1 and 4 more transcripts); c.2059G>C, p.Gly687Arg (NM_001413023.1); c.2926G>C, p.Gly976Arg (NM_001413025.1); c.1918G>C, p.Gly640Arg (NM_001413027.1, NM_001413030.1, NM_001413032.1); and 9 more; short protein forms G1009R, G1019R, G1044R, G530R, G596R, G618R, G640R, G652R.
Identifiers: ClinVar variation 3369733 (VCV003369733.1).

ClinVar aggregate classification (germline): Uncertain significance (1 of 4 stars; one submission).

gnomAD v4.1: 2 of 1,606,526 alleles (0.00012%); highest among the groups gnomAD compares: Non-Finnish European, 0.00017%; no homozygotes.

Submission:

GeneDx
Classification: Uncertain significance. Last evaluated: 2024-02-28. Review status: criteria provided, single submitter. Criteria: GeneDx Variant Classification Process June 2021. Collection method: clinical testing. Allele origin: germline. Affected: yes.
Comment: Not observed at significant frequency in large population cohorts (gnomAD); In silico analysis supports that this missense variant has a deleterious effect on protein structure/function; Alters the last nucleotide of the exon and is predicted to destroy the splice donor site and result in aberrant splicing, although in the absence of functional evidence the actual effect of this sequence change is unknown; Has not been previously published as pathogenic or benign to our knowledge